The following is an entry in ClinVar:

NM_006415.4(SPTLC1):c.652G>A (p.Glu218Lys)

Gene: SPTLC1 (serine palmitoyltransferase long chain base subunit 1; minus strand). Cytogenetic location: 9q22.31.
Variant type: single nucleotide variant.
Coding change: c.652G>A on transcript NM_006415.4 (MANE Select); coding-DNA position 652, G replaced by A.
Protein change: p.Glu218Lys; replaces glutamic acid 218 with lysine.
Molecular consequence: missense variant.
Genome position (GRCh38, 1-based): chr9:92,059,217, C>T on the plus strand (G>A on the coding strand, the complement: SPTLC1 is on the minus strand). VCF-style: chr9-92059217-C-T. GRCh37 (hg19) VCF-style: chr9-94821499-C-T.
Other names: c.652G>A, p.Glu218Lys (NM_001281303.2); c.286G>A, p.Glu96Lys (NM_001368272.1); c.187G>A, p.Glu63Lys (NM_001368273.1); short protein forms E218K, E63K, E96K.
Identifiers: ClinVar variation 1426575 (VCV001426575.6), dbSNP rs371402481, ClinGen allele CA195395581.

ClinVar aggregate classification (germline): Uncertain significance (1 of 4 stars; one submission).

Conditions:
Hereditary sensory and autonomic neuropathy type 1 (HSAN1). Also called: HSAN 1; HSN Type I; Hereditary Sensory Neuropathy Type I. Identifiers: Orphanet 36386, MedGen C0020071, MONDO:0018213.

gnomAD v4.1: 3 of 1,613,922 alleles (0.00019%); highest among the groups gnomAD compares: African/African-American, 0.0027%; no homozygotes.

Submission:

Labcorp Genetics (formerly Invitae), Labcorp
Classification: Uncertain significance for Hereditary sensory and autonomic neuropathy type 1. Last evaluated: 2025-03-18. Review status: criteria provided, single submitter. Criteria: Invitae Variant Classification Sherloc (09022015). Collection method: clinical testing. Allele origin: germline.
Comment: This sequence change replaces glutamic acid, which is acidic and polar, with lysine, which is basic and polar, at codon 218 of the SPTLC1 protein (p.Glu218Lys). This variant is present in population databases (rs371402481, gnomAD 0.0009%). This variant has not been reported in the literature in individuals affected with SPTLC1-related conditions. ClinVar contains an entry for this variant (Variation ID: 1426575). Invitae Evidence Modeling of protein sequence and biophysical properties (such as structural, functional, and spatial information, amino acid conservation, physicochemical variation, residue mobility, and thermodynamic stability) indicates that this missense variant is not expected to disrupt SPTLC1 protein function with a negative predictive value of 80%. In summary, the available evidence is currently insufficient to determine the role of this variant in disease. Therefore, it has been classified as a Variant of Uncertain Significance.